The following is an entry in ClinVar:

NM_025137.4(SPG11):c.6045T>C (p.Asp2015=)

Gene: SPG11 (SPG11 vesicle trafficking associated, spatacsin; minus strand). Cytogenetic location: 15q21.1.
Variant type: single nucleotide variant.
Coding change: c.6045T>C on transcript NM_025137.4 (MANE Select); coding-DNA position 6045, T replaced by C.
Protein change: p.Asp2015=; no amino-acid change (aspartic acid 2015 retained).
Molecular consequence: synonymous variant. On other transcripts: intron variant (1).
Genome position (GRCh38, 1-based): chr15:44,573,707, A>G on the plus strand (T>C on the coding strand, the complement: SPG11 is on the minus strand). VCF-style: chr15-44573707-A-G. GRCh37 (hg19) VCF-style: chr15-44865905-A-G.
Other names: c.5867-887T>C (NM_001160227.2).
Identifiers: ClinVar variation 697782 (VCV000697782.9), dbSNP rs749530648, ClinGen allele CA7534271.
Genomic context (GRCh38, chr15:44,573,707, plus strand): 5'-GGCTCGTTTGCATCGGTCAGGCTGCTGAGAGGCCAAGATTTTCCGGAGCATGGCTTCACC[A>G]TCCTGAGCAGCAACATCTGTGTAGGAACAGCCCAACTCCTGAGAGGAAGACAAAGCCAGT-3'
Protein context (NP_079413.3, residues 2005-2025): GCSYTDVAAQ[Asp2015=]GEAMLRKILA

ClinVar aggregate classification (germline): Likely benign. Review status: criteria provided, multiple submitters, no conflicts (2 of 4 stars). 2 submissions from 2 submitters: Likely benign (2). Last evaluated 2026-06-01.

Conditions:
Hereditary spastic paraplegia 11. Also called: Spastic paraplegia, mental retardation and thin corpus callosum; Spastic Paraplegia 11; SPASTIC PARAPLEGIA, AUTOSOMAL RECESSIVE, COMPLICATED, WITH THIN CORPUS CALLOSUM; SPASTIC PARAPLEGIA, AUTOSOMAL RECESSIVE, WITH MENTAL IMPAIRMENT AND THIN CORPUS CALLOSUM; Nakamura Osame syndrome; Autosomal recessive hereditary spastic paraplegia, mental impairment, and thin corpus callosum. Identifiers: Orphanet 2822, MedGen C1858479, MONDO:0011445, OMIM 604360.

Allele frequency attached by ClinVar (database versions not stated): gnomAD below 0.00001 and 0.00002; ExAC 0.00004; gnomAD exomes 0.00005.
gnomAD v4.1: 67 of 1,614,112 alleles (0.0042%); highest among the groups gnomAD compares: South Asian, 0.069%; 3 homozygotes.

Submissions (2):

CeGaT Center for Human Genetics Tuebingen
Classification: Likely benign. Last evaluated: 2026-06-01. Review status: criteria provided, single submitter. Criteria: CeGaT Center For Human Genetics Tuebingen Variant Classification Criteria Version 2. Collection method: clinical testing. Allele origin: germline. Affected: yes. Observed: 1 variant allele.
Comment: SPG11: BP4, BP7

Labcorp Genetics (formerly Invitae), Labcorp
Classification: Likely benign for Hereditary spastic paraplegia 11. Last evaluated: 2026-01-24. Review status: criteria provided, single submitter. Criteria: Invitae Variant Classification Sherloc (09022015). Collection method: clinical testing. Allele origin: germline.